The following is an entry in ClinVar:

NM_014252.4(SLC25A15):c.208G>T (p.Ala70Ser)

Gene: SLC25A15 (solute carrier family 25 member 15; plus strand). Cytogenetic location: 13q14.11.
Variant type: single nucleotide variant.
Coding change: c.208G>T on transcript NM_014252.4 (MANE Select); coding-DNA position 208, G replaced by T.
Protein change: p.Ala70Ser; replaces alanine 70 with serine.
Molecular consequence: missense variant. On other transcripts: non-coding transcript variant (2).
Genome position (GRCh38, 1-based): chr13:40,799,209, G>T. VCF-style: chr13-40799209-G-T. GRCh37 (hg19) VCF-style: chr13-41373345-G-T.
Other names: short protein forms A70S.
Identifiers: ClinVar variation 4887280 (VCV004887280.1).

ClinVar aggregate classification (germline): Uncertain significance (1 of 4 stars; one submission).

gnomAD v4.1: 3 of 1,614,242 alleles (0.00019%); highest among the groups gnomAD compares: South Asian, 0.0033%; no homozygotes.

Submission:

Women's Health and Genetics/Laboratory Corporation of America, LabCorp
Classification: Uncertain significance. Last evaluated: 2026-06-29. Review status: criteria provided, single submitter. Criteria: LabCorp Variant Classification Summary - May 2015. Collection method: clinical testing. Allele origin: germline.
Comment: Variant summary: SLC25A15 c.208G>T (p.Ala70Ser) results in a conservative amino acid change in the encoded protein sequence. Algorithms developed to predict the effect of missense changes on protein structure and function are either unavailable or do not agree on the potential impact of this missense change. The variant was absent in 251320 control chromosomes. The available data on variant occurrences in the general population are insufficient to allow any conclusion about variant significance. To our knowledge, no occurrence of c.208G>T in individuals affected with SLC25A15-related conditions and no experimental evidence demonstrating its impact on protein function have been reported. No submitters have cited clinical-significance assessments for this variant to ClinVar. Based on the evidence outlined above, the variant was classified as uncertain significance.